The following is an entry in ClinVar:

NM_000489.6(ATRX):c.2200A>G (p.Met734Val)

Gene: ATRX (ATRX chromatin remodeler; minus strand). Cytogenetic location: Xq21.1.
Variant type: single nucleotide variant.
Coding change: c.2200A>G on transcript NM_000489.6 (MANE Select); coding-DNA position 2200, A replaced by G.
Protein change: p.Met734Val; replaces methionine 734 with valine.
Molecular consequence: missense variant.
Genome position (GRCh38, 1-based): chrX:77,683,056, T>C on the plus strand (A>G on the coding strand, the complement: ATRX is on the minus strand). VCF-style: chrX-77683056-T-C. GRCh37 (hg19) VCF-style: chrX-76938548-T-C.
Other names: c.2086A>G, p.Met696Val (NM_138270.5); short protein forms M696V, M734V.
Identifiers: ClinVar variation 852233 (VCV000852233.9), dbSNP rs2071339556, ClinGen allele CA413712965.

ClinVar aggregate classification (germline): Uncertain significance. Review status: criteria provided, single submitter (1 of 4 stars). 2 submissions from 2 submitters: Uncertain significance (1). 1 of the submissions does not count toward it. Last evaluated 2025-06-19.

Conditions:
Alpha thalassemia-X-linked intellectual disability syndrome (ATRX). Also called: ATR-X syndrome; Alpha thalassemia mental retardation syndrome, nondeletion type, X-linked; XLMR hypotonic face syndrome; ALPHA-THALASSEMIA/IMPAIRED INTELLECTUAL DEVELOPMENT SYNDROME, X-LINKED; ALPHA-THALASSEMIA/MENTAL RETARDATION SYNDROME, X-LINKED; ATR, NONDELETION TYPE. Identifiers: Orphanet 847, MedGen C1845055, MONDO:0010519, OMIM 301040.

Submissions (2):

Labcorp Genetics (formerly Invitae), Labcorp
Classification: Uncertain significance for Alpha thalassemia-X-linked intellectual disability syndrome. Last evaluated: 2025-06-19. Review status: criteria provided, single submitter. Criteria: Invitae Variant Classification Sherloc (09022015). Collection method: clinical testing. Allele origin: germline.
Comment: This sequence change replaces methionine, which is neutral and non-polar, with valine, which is neutral and non-polar, at codon 734 of the ATRX protein (p.Met734Val). This variant is not present in population databases (gnomAD no frequency). This variant has not been reported in the literature in individuals affected with ATRX-related conditions. ClinVar contains an entry for this variant (Variation ID: 852233). Invitae Evidence Modeling of protein sequence and biophysical properties (such as structural, functional, and spatial information, amino acid conservation, physicochemical variation, residue mobility, and thermodynamic stability) indicates that this missense variant is not expected to disrupt ATRX protein function with a negative predictive value of 95%. In summary, the available evidence is currently insufficient to determine the role of this variant in disease. Therefore, it has been classified as a Variant of Uncertain Significance.

Natera, Inc.
Classification: Uncertain significance for X-linked alpha-thalassemia-mental retardation syndrome. Last evaluated: 2020-09-16. Review status: no assertion criteria provided. Collection method: clinical testing. Allele origin: germline. Not counted in ClinVar's aggregate classification.